The following is an entry in ClinVar:

ClinVar aggregate classification (germline): Benign. Review status: criteria provided, single submitter (1 of 4 stars). 2 submissions from 2 submitters: Benign (1). 1 of the submissions does not count toward it. Last evaluated 2024-10-15.

Conditions:
ITGA6-related disorder. Also called: ITGA6-related condition.

Submissions (2):

Labcorp Genetics (formerly Invitae), Labcorp
Classification: Benign. Last evaluated: 2024-10-15. Review status: criteria provided, single submitter. Criteria: Invitae Variant Classification Sherloc (09022015). Collection method: clinical testing. Allele origin: germline.

PreventionGenetics, part of Exact Sciences
Classification: Likely benign for ITGA6-related condition. Last evaluated: 2020-01-31. Review status: no assertion criteria provided. Collection method: clinical testing. Allele origin: germline. Not counted in ClinVar's aggregate classification.
Comment: This variant is classified as likely benign based on ACMG/AMP sequence variant interpretation guidelines (Richards et al. 2015 PMID: 25741868, with internal and published modifications).

NM_000210.4(ITGA6):c.2245-3dup

Genes: ITGA6 (integrin subunit alpha 6; plus strand), PDK1-AS1 (PDK1 and ITGA6 antisense RNA 1; minus strand). Cytogenetic location: 2q31.1.
Variant type: Duplication.
Coding change: c.2245-3dup on transcript NM_000210.4 (MANE Select); 3 bases into the intron before coding-DNA position 2245, one base duplicated (T; older notation c.2245-3dupT).
Molecular consequence: intron variant.
Genome position (GRCh38, 1-based): chr2:172,487,725, T duplicated; the last of 7 consecutive T bases (chr2:172,487,719-172,487,725); duplicating any one gives the same sequence. VCF-style (leftmost placement, unchanged base first): chr2-172487718-G-GT. GRCh37 (hg19) VCF-style: chr2-173352446-G-GT.
Other names: c.1888-3dup (NM_001316306.2); c.2362-3dup (NM_001394928.1); c.2245-3dup (NM_001079818.3, NM_001365530.2, NM_001365529.2); c.2245-3dupT (NM_000210.3).
Identifiers: ClinVar variation 2896405 (VCV002896405.5), dbSNP rs746830225, ClinGen allele CA1968348.